The following is an entry in ClinVar:

ClinVar aggregate classification (germline): Conflicting classifications of pathogenicity. Review status: criteria provided, conflicting classifications (1 of 4 stars). 4 submissions from 4 submitters: Uncertain significance (2); Likely benign (1). 1 of the submissions does not count toward it. Last evaluated 2026-02-03.

Conditions:
Spinocerebellar ataxia, autosomal recessive, with axonal neuropathy 2 (SCAN2). Also called: Ataxia with Oculomotor Apraxia Type 2; ATAXIA-OCULOMOTOR APRAXIA 2; Ataxia with Oculomotor Apraxia; Ataxia-ocular apraxia-2. Identifiers: Orphanet 64753, MedGen C1853761, MONDO:0018996, OMIM 606002.
Amyotrophic lateral sclerosis type 4 (ALS4). Also called: AMYOTROPHIC LATERAL SCLEROSIS 4, JUVENILE; NEURONOPATHY, DISTAL HEREDITARY MOTOR, WITH PYRAMIDAL FEATURES. Identifiers: Orphanet 357043, MedGen C1865409, MONDO:0011223, OMIM 602433.
Inborn genetic diseases. Identifiers: MedGen C0950123, MeSH D030342.
SETX-related disorder. Also called: SETX-related disorders; SETX-related condition. Identifiers: MedGen CN239403.

Allele frequency attached by ClinVar (database versions not stated): ExAC 0.00001; TOPMed 0.00002; gnomAD 0.00003; gnomAD exomes 0.00003.

Submissions (4):

Labcorp Genetics (formerly Invitae), Labcorp
Classification: Likely benign for Amyotrophic lateral sclerosis type 4; Spinocerebellar ataxia, autosomal recessive, with axonal neuropathy 2. Last evaluated: 2026-02-03. Review status: criteria provided, single submitter. Criteria: Invitae Variant Classification Sherloc (09022015). Collection method: clinical testing. Allele origin: germline.

Ambry Genetics
Classification: Uncertain significance for Inborn genetic diseases. Last evaluated: 2024-04-22. Review status: criteria provided, single submitter. Criteria: Ambry Variant Classification Scheme 2023. Collection method: clinical testing. Allele origin: germline.

Athena Diagnostics
Classification: Uncertain significance. Last evaluated: 2021-11-24. Review status: criteria provided, single submitter. Criteria: Athena Diagnostics Criteria. Collection method: clinical testing. Allele origin: unknown.

PreventionGenetics, part of Exact Sciences
Classification: Uncertain significance for SETX-related condition. Last evaluated: 2023-12-01. Review status: no assertion criteria provided. Collection method: clinical testing. Allele origin: germline. Not counted in ClinVar's aggregate classification.
Comment: The SETX c.973A>G variant is predicted to result in the amino acid substitution p.Asn325Asp. To our knowledge, this variant has not been reported in the literature. This variant is reported in 0.0018% of alleles in individuals of European (Non-Finnish) descent in gnomAD. At this time, the clinical significance of this variant is uncertain due to the absence of conclusive functional and genetic evidence.

NM_015046.7(SETX):c.973A>G (p.Asn325Asp)

Gene: SETX (senataxin; minus strand). Cytogenetic location: 9q34.13.
Variant type: single nucleotide variant.
Coding change: c.973A>G on transcript NM_015046.7 (MANE Select); coding-DNA position 973, A replaced by G.
Protein change: p.Asn325Asp; replaces asparagine 325 with aspartic acid.
Molecular consequence: missense variant.
Genome position (GRCh38, 1-based): chr9:132,331,314, T>C on the plus strand (A>G on the coding strand, the complement: SETX is on the minus strand). VCF-style: chr9-132331314-T-C. GRCh37 (hg19) VCF-style: chr9-135206701-T-C.
Other names: c.973A>G, p.Asn325Asp (NM_001351527.2, NM_001351528.2); short protein forms N325D.
Identifiers: ClinVar variation 1807015 (VCV001807015.8), dbSNP rs765421589, ClinGen allele CA5297885.